The following is an entry in ClinVar:

ClinVar aggregate classification (germline): not provided. Review status: no classification provided (0 of 4 stars). 4 submissions from 1 submitter: not provided (4).

Conditions:
Preeclampsia. Identifiers: Orphanet 275555, MedGen C0032914, MONDO:0005081, HP:0100602.
Normal pregnancy. Identifiers: MedGen C0232989.
Gestational diabetes mellitus uncontrolled. Identifiers: MedGen C3532257.
Large for gestational age. Identifiers: MedGen C1848395, HP:0001520.

Submissions (4):

Institute of Molecular and Cell Biology, University of Tartu
No classification provided. Condition: Normal pregnancy. Review status: no classification provided. Collection method: case-control. Allele origin: unknown. Affected: yes. Study: Kasak2014.
Comment: The study aimed to determine the contribution of copy number variants in the genetic etiology of normal and complicated pregnancies. The samples represented (i) maternal blood DNA drawn from healthy pregnant women during 1st or 2nd trimester and (ii) maternal and paternal blood DNA drawn at term pregnancy cases representing normal and complicated gestations (severe preeclampsia, PE; gestational diabetes, GD; small-for-gestational age newborn, SGA; large-for-gestational age newborn, LGA). We performed CNV calling based on genome-wide genotyping dataset (Illumina HumanOmniExpress-24-v1 BeadChip) by applying three algorithms, QuantiSNP, GADA (Genome Alteration Detection Algorithm) and CNstream in parallel. The acquired CNV calls were merged with HD-CNV (Hotspot Detector for Copy Number Variants) program and only the CNVs predicted by at least two programs, were considered in subsequent analysis.

Institute of Molecular and Cell Biology, University of Tartu
No classification provided. Condition: Large for gestational age. Review status: no classification provided. Collection method: case-control. Allele origin: unknown. Affected: yes. Study: Kasak2014.
Comment: the same text as in the submission from Institute of Molecular and Cell Biology, University of Tartu above.

Institute of Molecular and Cell Biology, University of Tartu
No classification provided. Condition: Preeclampsia. Review status: no classification provided. Collection method: case-control. Allele origin: unknown. Affected: yes. Study: Kasak2014.
Comment: the same text as in the submission from Institute of Molecular and Cell Biology, University of Tartu above.

Institute of Molecular and Cell Biology, University of Tartu
No classification provided. Condition: Gestational diabetes mellitus uncontrolled. Review status: no classification provided. Collection method: case-control. Allele origin: unknown. Affected: yes. Study: Kasak2014.
Comment: the same text as in the submission from Institute of Molecular and Cell Biology, University of Tartu above.

Literature cited by the submitters: PubMed 25666259.

Single allele

Variant type: Duplication.
Identifiers: ClinVar variation 157049 (VCV000157049.2).